The following is an entry in ClinVar:

ClinVar aggregate classification (germline): Uncertain significance (1 of 4 stars; one submission).

Conditions:
Hypertrophic cardiomyopathy. Also called: HYPERTROPHIC MYOCARDIOPATHY. Identifiers: Orphanet 217569, MedGen C0007194, MeSH D002312, MONDO:0005045, HP:0001639.

Allele frequency attached by ClinVar (database versions not stated): gnomAD exomes below 0.00001; TOPMed 0.00001; gnomAD 0.00002.
gnomAD v4.1: 4 of 1,611,322 alleles (0.00025%); highest among the groups gnomAD compares: African/African-American, 0.0053%; no homozygotes.

Submission:

Labcorp Genetics (formerly Invitae), Labcorp
Classification: Uncertain significance for Hypertrophic cardiomyopathy. Last evaluated: 2024-02-15. Review status: criteria provided, single submitter. Criteria: Invitae Variant Classification Sherloc (09022015). Collection method: clinical testing. Allele origin: germline.
Comment: This sequence change replaces aspartic acid, which is acidic and polar, with asparagine, which is neutral and polar, at codon 1405 of the MYOM1 protein (p.Asp1405Asn). This variant is not present in population databases (gnomAD no frequency). This variant has not been reported in the literature in individuals affected with MYOM1-related conditions. ClinVar contains an entry for this variant (Variation ID: 2046671). Advanced modeling of protein sequence and biophysical properties (such as structural, functional, and spatial information, amino acid conservation, physicochemical variation, residue mobility, and thermodynamic stability) performed at Invitae indicates that this missense variant is not expected to disrupt MYOM1 protein function with a negative predictive value of 80%. In summary, the available evidence is currently insufficient to determine the role of this variant in disease. Therefore, it has been classified as a Variant of Uncertain Significance.

NM_003803.4(MYOM1):c.4213G>A (p.Asp1405Asn)

Gene: MYOM1 (myomesin 1; minus strand). Cytogenetic location: 18p11.31.
Variant type: single nucleotide variant.
Coding change: c.4213G>A on transcript NM_003803.4 (MANE Select); coding-DNA position 4213, G replaced by A.
Protein change: p.Asp1405Asn; replaces aspartic acid 1405 with asparagine.
Molecular consequence: missense variant.
Genome position (GRCh38, 1-based): chr18:3,086,076, C>T on the plus strand (G>A on the coding strand, the complement: MYOM1 is on the minus strand). VCF-style: chr18-3086076-C-T. GRCh37 (hg19) VCF-style: chr18-3086074-C-T.
Other names: c.3925G>A, p.Asp1309Asn (NM_019856.2); short protein forms D1405N, D1309N.
Identifiers: ClinVar variation 2046671 (VCV002046671.4), dbSNP rs1262113763, ClinGen allele CA401710900.